The following is an entry in ClinVar:

ClinVar aggregate classification (germline): Uncertain significance (1 of 4 stars; one submission).

Conditions:
Neonatal-onset encephalopathy with rigidity and seizures. Also called: Lethal neonatal spasticity-epileptic encephalopathy syndrome. Identifiers: Orphanet 435845, MedGen C3281029, MONDO:0013784, OMIM 614498.

gnomAD v4.1: 3 of 1,602,464 alleles (0.00019%); highest among the groups gnomAD compares: Non-Finnish European, 0.00026%; no homozygotes.

Submission:

Labcorp Genetics (formerly Invitae), Labcorp
Classification: Uncertain significance for Neonatal-onset encephalopathy with rigidity and seizures. Last evaluated: 2021-07-07. Review status: criteria provided, single submitter. Criteria: Invitae Variant Classification Sherloc (09022015). Collection method: clinical testing. Allele origin: germline.
Comment: This variant is not present in population databases (ExAC no frequency). This variant has not been reported in the literature in individuals affected with BRAT1-related conditions. Algorithms developed to predict the effect of missense changes on protein structure and function are either unavailable or do not agree on the potential impact of this missense change (SIFT: "Tolerated"; PolyPhen-2: "Possibly Damaging"; Align-GVGD: "Class C0"). In summary, the available evidence is currently insufficient to determine the role of this variant in disease. Therefore, it has been classified as a Variant of Uncertain Significance. This sequence change replaces leucine with methionine at codon 479 of the BRAT1 protein (p.Leu479Met). The leucine residue is moderately conserved and there is a small physicochemical difference between leucine and methionine.

NM_152743.4(BRAT1):c.1435C>A (p.Leu479Met)

Gene: BRAT1 (BRCA1 associated ATM activator 1; minus strand). Cytogenetic location: 7p22.3.
Variant type: single nucleotide variant.
Coding change: c.1435C>A on transcript NM_152743.4 (MANE Select); coding-DNA position 1435, C replaced by A.
Protein change: p.Leu479Met; replaces leucine 479 with methionine.
Molecular consequence: missense variant. On other transcripts: non-coding transcript variant (1).
Genome position (GRCh38, 1-based): chr7:2,539,849, G>T on the plus strand (C>A on the coding strand, the complement: BRAT1 is on the minus strand). VCF-style: chr7-2539849-G-T. GRCh37 (hg19) VCF-style: chr7-2579483-G-T.
Other names: c.1435C>A, p.Leu479Met (NM_001350626.2); c.910C>A, p.Leu304Met (NM_001350627.2); short protein forms L304M, L479M.
Identifiers: ClinVar variation 1493296 (VCV001493296.8), dbSNP rs1562569671, ClinGen allele CA366628315.